The following is an entry in ClinVar:

ClinVar aggregate classification (germline): Uncertain significance (1 of 4 stars; one submission).

Allele frequency attached by ClinVar (database versions not stated): TOPMed 0.00001; gnomAD 0.00004; gnomAD exomes 0.00011; ExAC 0.00022; 1000 Genomes Project 30x 0.00031; 1000 Genomes Project 0.00040.
gnomAD v4.1: 157 of 1,612,966 alleles (0.0097%); highest among the groups gnomAD compares: South Asian, 0.17%; 1 homozygote.

Submission:

Labcorp Genetics (formerly Invitae), Labcorp
Classification: Uncertain significance. Last evaluated: 2024-12-18. Review status: criteria provided, single submitter. Criteria: Invitae Variant Classification Sherloc (09022015). Collection method: clinical testing. Allele origin: germline.
Comment: This sequence change falls in intron 4 of the ATRN gene. It does not directly change the encoded amino acid sequence of the ATRN protein. It affects a nucleotide within the consensus splice site. This variant is present in population databases (rs547519747, gnomAD 0.2%), and has an allele count higher than expected for a pathogenic variant. This variant has not been reported in the literature in individuals affected with ATRN-related conditions. ClinVar contains an entry for this variant (Variation ID: 3018537). Variants that disrupt the consensus splice site are a relatively common cause of aberrant splicing (PMID: 17576681, 9536098). Algorithms developed to predict the effect of sequence changes on RNA splicing suggest that this variant may disrupt the consensus splice site. In summary, the available evidence is currently insufficient to determine the role of this variant in disease. Therefore, it has been classified as a Variant of Uncertain Significance.

Literature cited by the submitters: PubMed 17576681; PubMed 9536098.

NM_139321.3(ATRN):c.737+5G>C

Gene: ATRN (attractin; plus strand). Cytogenetic location: 20p13.
Variant type: single nucleotide variant.
Coding change: c.737+5G>C on transcript NM_139321.3 (MANE Select); 5 bases into the intron after coding-DNA position 737, G replaced by C.
Molecular consequence: intron variant.
Genome position (GRCh38, 1-based): chr20:3,545,895, G>C. VCF-style: chr20-3545895-G-C. GRCh37 (hg19) VCF-style: chr20-3526542-G-C.
Other names: c.737+5G>C (NM_001323332.2, NM_139322.4); c.389+5G>C (NM_001207047.3).
Identifiers: ClinVar variation 3018537 (VCV003018537.3), dbSNP rs547519747, ClinGen allele CA9743868.